The following is an entry in ClinVar:

ClinVar aggregate classification (germline): Likely benign (1 of 4 stars; one submission).

gnomAD v4.1: 1 of 1,613,722 alleles (0.000062%); highest among the groups gnomAD compares: Non-Finnish European, 0.000085%; no homozygotes.

Submission:

CeGaT Center for Human Genetics Tuebingen
Classification: Likely benign. Last evaluated: 2024-04-01. Review status: criteria provided, single submitter. Criteria: CeGaT Center For Human Genetics Tuebingen Variant Classification Criteria Version 2. Collection method: clinical testing. Allele origin: germline. Affected: yes. Observed: 1 variant allele.
Comment: FLNC: PM2:Supporting, BP4, BP7

NM_001458.5(FLNC):c.6078C>T (p.Asn2026=)

Genes: FLNC (filamin C; plus strand), FLNC-AS1 (FLNC antisense RNA 1; minus strand). Cytogenetic location: 7q32.1.
Variant type: single nucleotide variant.
Coding change: c.6078C>T on transcript NM_001458.5 (MANE Select); coding-DNA position 6078, C replaced by T.
Protein change: p.Asn2026=; no amino-acid change (asparagine 2026 retained).
Molecular consequence: synonymous variant.
Genome position (GRCh38, 1-based): chr7:128,852,901, C>T. VCF-style: chr7-128852901-C-T. GRCh37 (hg19) VCF-style: chr7-128492955-C-T.
Other names: c.5979C>T, p.Asn1993= (NM_001127487.2).
Identifiers: ClinVar variation 3234535 (VCV003234535.20), dbSNP rs2536660251, ClinGen allele CA457849490.